The following is an entry in ClinVar:

ClinVar aggregate classification (germline): Uncertain significance (1 of 4 stars; one submission).

Conditions:
Amyotrophic lateral sclerosis type 21. Also called: MYOPATHY, DISTAL, 2; VOCAL CORD AND PHARYNGEAL DYSFUNCTION WITH DISTAL MYOPATHY. Identifiers: Orphanet 600, Orphanet 803, MedGen C3807521, MONDO:0011632, OMIM 606070.

Submission:

Labcorp Genetics (formerly Invitae), Labcorp
Classification: Uncertain significance for Amyotrophic lateral sclerosis type 21. Last evaluated: 2025-12-15. Review status: criteria provided, single submitter. Criteria: Invitae Variant Classification Sherloc (09022015). Collection method: clinical testing. Allele origin: germline.
Comment: This sequence change replaces aspartic acid, which is acidic and polar, with asparagine, which is neutral and polar, at codon 341 of the MATR3 protein (p.Asp341Asn). This variant is not present in population databases (gnomAD no frequency). This variant has not been reported in the literature in individuals affected with MATR3-related conditions. An algorithm developed to predict the effect of missense changes on protein structure and function (PolyPhen-2) suggests that this variant is likely to be disruptive. In summary, the available evidence is currently insufficient to determine the role of this variant in disease. Therefore, it has been classified as a Variant of Uncertain Significance.

NM_018834.6(MATR3):c.1021G>A (p.Asp341Asn)

Gene: MATR3 (matrin 3; plus strand). Cytogenetic location: 5q31.2.
Variant type: single nucleotide variant.
Coding change: c.1021G>A on transcript NM_018834.6 (MANE Select); coding-DNA position 1021, G replaced by A.
Protein change: p.Asp341Asn; replaces aspartic acid 341 with asparagine.
Molecular consequence: missense variant.
Genome position (GRCh38, 1-based): chr5:139,316,080, G>A. VCF-style: chr5-139316080-G-A. GRCh37 (hg19) VCF-style: chr5-138651769-G-A.
Other names: c.1021G>A, p.Asp341Asn (NM_001194954.2, NM_001194955.2, NM_001400441.1 and 16 more transcripts); c.157G>A, p.Asp53Asn (NM_001194956.2); c.7G>A, p.Asp3Asn (NM_001282278.2, NM_001400460.1, NM_001400462.1 and 5 more transcripts); c.160G>A, p.Asp54Asn (NM_001400459.1); c.121G>A, p.Asp41Asn (NM_001400461.1); short protein forms D3N, D54N, D53N, D41N, D341N.
Identifiers: ClinVar variation 4718513 (VCV004718513.1).